The following is an entry in ClinVar:

NM_000037.4(ANK1):c.4116C>T (p.Ala1372=)

Gene: ANK1 (ankyrin 1; minus strand). Cytogenetic location: 8p11.21.
Variant type: single nucleotide variant.
Coding change: c.4116C>T on transcript NM_000037.4 (MANE Select); coding-DNA position 4116, C replaced by T.
Protein change: p.Ala1372=; no amino-acid change (alanine 1372 retained).
Molecular consequence: synonymous variant.
Genome position (GRCh38, 1-based): chr8:41,688,578, G>A on the plus strand (C>T on the coding strand, the complement: ANK1 is on the minus strand). VCF-style: chr8-41688578-G-A. GRCh37 (hg19) VCF-style: chr8-41546096-G-A.
Other names: c.4239C>T, p.Ala1413= (NM_001142446.2); c.4116C>T, p.Ala1372= (NM_020475.3, NM_020476.3, NM_020477.3).
Identifiers: ClinVar variation 3049808 (VCV003049808.2), dbSNP rs371047638, ClinGen allele CA4727659.

ClinVar aggregate classification (germline): Likely benign (0 of 4 stars; one submission).

Conditions:
ANK1-related disorder. Also called: ANK1-related condition.

Allele frequency attached by ClinVar (database versions not stated): ExAC 0.00002; gnomAD exomes 0.00002; TOPMed 0.00006; ESP Exome Variant Server 0.00008; gnomAD 0.00011.
gnomAD v4.1: 47 of 1,613,962 alleles (0.0029%); highest among the groups gnomAD compares: African/African-American, 0.051%; no homozygotes.

Submission:

PreventionGenetics, part of Exact Sciences
Classification: Likely benign for ANK1-related condition. Last evaluated: 2019-07-26. Review status: no assertion criteria provided. Collection method: clinical testing. Allele origin: germline.
Comment: This variant is classified as likely benign based on ACMG/AMP sequence variant interpretation guidelines (Richards et al. 2015 PMID: 25741868, with internal and published modifications).